The following is an entry in ClinVar:

NM_145045.5(ODAD3):c.634C>A (p.Arg212Ser)

Gene: ODAD3 (outer dynein arm docking complex subunit 3; minus strand). Cytogenetic location: 19p13.2.
Variant type: single nucleotide variant.
Coding change: c.634C>A on transcript NM_145045.5 (MANE Select); coding-DNA position 634, C replaced by A.
Protein change: p.Arg212Ser; replaces arginine 212 with serine.
Molecular consequence: missense variant. On other transcripts: intron variant (1).
Genome position (GRCh38, 1-based): chr19:11,426,763, G>T on the plus strand (C>A on the coding strand, the complement: ODAD3 is on the minus strand). VCF-style: chr19-11426763-G-T. GRCh37 (hg19) VCF-style: chr19-11537583-G-T.
Other names: c.472C>A, p.Arg158Ser (NM_001302453.1); c.534+110C>A (NM_001302454.2); short protein forms R158S, R212S.
Identifiers: ClinVar variation 2185494 (VCV002185494.4), dbSNP rs1431454771, ClinGen allele CA404124582.
Genomic context (GRCh38, chr19:11,426,763, plus strand): 5'-GCAGGTACACGCTGGTAATGTGCTCGGCCTCCTGCGCCTTCATCTGGGCCTTCTCCAGGC[G>T]GTTCTCCAGGTTCCGCATGGTCTGGAGAGCAGCAGGGCTGGGCTGAGGGCCCTCCGCACT-3'
Protein context (NP_659482.3, residues 202-222): VAKTMRNLEN[Arg212Ser]LEKAQMKAQE

ClinVar aggregate classification (germline): Uncertain significance (1 of 4 stars; one submission).

Conditions:
Primary ciliary dyskinesia 30. Also called: CILIARY DYSKINESIA, PRIMARY, 30, WITH OR WITHOUT SITUS INVERSUS. Identifiers: Orphanet 244, MedGen C4015016, MONDO:0014465, OMIM 616037.

gnomAD v4.1: 1 of 1,613,896 alleles (0.000062%); highest among the groups gnomAD compares: Non-Finnish European, 0.000085%; no homozygotes.

Submission:

Labcorp Genetics (formerly Invitae), Labcorp
Classification: Uncertain significance for Primary ciliary dyskinesia 30. Last evaluated: 2025-03-10. Review status: criteria provided, single submitter. Criteria: Invitae Variant Classification Sherloc (09022015). Collection method: clinical testing. Allele origin: germline.
Comment: This sequence change replaces arginine, which is basic and polar, with serine, which is neutral and polar, at codon 212 of the CCDC151 protein (p.Arg212Ser). This variant is not present in population databases (gnomAD no frequency). This variant has not been reported in the literature in individuals affected with CCDC151-related conditions. ClinVar contains an entry for this variant (Variation ID: 2185494). An algorithm developed to predict the effect of missense changes on protein structure and function (PolyPhen-2) suggests that this variant is likely to be disruptive. In summary, the available evidence is currently insufficient to determine the role of this variant in disease. Therefore, it has been classified as a Variant of Uncertain Significance.